The following is an entry in ClinVar:

ClinVar aggregate classification (germline): Likely benign (1 of 4 stars; one submission).

Submission:

CeGaT Center for Human Genetics Tuebingen
Classification: Likely benign. Last evaluated: 2024-11-01. Review status: criteria provided, single submitter. Criteria: CeGaT Center For Human Genetics Tuebingen Variant Classification Criteria Version 2. Collection method: clinical testing. Allele origin: germline. Affected: yes. Observed: 1 variant allele.
Comment: SPTY2D1: PM2:Supporting, BP4, BP7

NM_194285.3(SPTY2D1):c.909C>T (p.Gly303=)

Gene: SPTY2D1 (SPT2 chromatin protein domain containing 1; minus strand). Cytogenetic location: 11p15.1.
Variant type: single nucleotide variant.
Coding change: c.909C>T on transcript NM_194285.3 (MANE Select); coding-DNA position 909, C replaced by T.
Protein change: p.Gly303=; no amino-acid change (glycine 303 retained).
Molecular consequence: synonymous variant.
Genome position (GRCh38, 1-based): chr11:18,615,365, G>A on the plus strand (C>T on the coding strand, the complement: SPTY2D1 is on the minus strand). VCF-style: chr11-18615365-G-A. GRCh37 (hg19) VCF-style: chr11-18636912-G-A.
Identifiers: ClinVar variation 3388812 (VCV003388812.14).